The following is an entry in ClinVar:

NM_004136.4(IREB2):c.2089C>T (p.Arg697Trp)

Gene: IREB2 (iron responsive element binding protein 2; plus strand). Cytogenetic location: 15q25.1.
Variant type: single nucleotide variant.
Coding change: c.2089C>T on transcript NM_004136.4 (MANE Select); coding-DNA position 2089, C replaced by T.
Protein change: p.Arg697Trp; replaces arginine 697 with tryptophan.
Molecular consequence: missense variant.
Genome position (GRCh38, 1-based): chr15:78,490,434, C>T. VCF-style: chr15-78490434-C-T. GRCh37 (hg19) VCF-style: chr15-78782776-C-T.
Other names: c.1339C>T, p.Arg447Trp (NM_001320941.2); c.1918C>T, p.Arg640Trp (NM_001320942.2, NM_001354994.2); c.2089C>T (NM_004136.2); short protein forms R640W, R447W, R697W.
Identifiers: ClinVar variation 2080352 (VCV002080352.2), dbSNP rs762002533, ClinGen allele CA7683154.

ClinVar aggregate classification (germline): Uncertain significance. Review status: criteria provided, multiple submitters, no conflicts (2 of 4 stars). 2 submissions from 2 submitters: Uncertain significance (2). Last evaluated 2025-11-13.

Conditions:
Inborn genetic diseases. Identifiers: MedGen C0950123, MeSH D030342.

Allele frequency attached by ClinVar (database versions not stated): gnomAD exomes 0.00001; TOPMed 0.00002; gnomAD 0.00001; ExAC 0.00001.
gnomAD v4.1: 12 of 1,599,686 alleles (0.00075%); highest among the groups gnomAD compares: Admixed American, 0.0054%; no homozygotes.

Submissions (2):

Ambry Genetics
Classification: Uncertain significance for Inborn genetic diseases. Last evaluated: 2025-11-13. Review status: criteria provided, single submitter. Criteria: Ambry Variant Classification Scheme 2023. Collection method: clinical testing. Allele origin: germline.

Labcorp Genetics (formerly Invitae), Labcorp
Classification: Uncertain significance. Last evaluated: 2022-08-01. Review status: criteria provided, single submitter. Criteria: Invitae Variant Classification Sherloc (09022015). Collection method: clinical testing. Allele origin: germline.
Comment: This sequence change replaces arginine, which is basic and polar, with tryptophan, which is neutral and slightly polar, at codon 697 of the IREB2 protein (p.Arg697Trp). This variant is present in population databases (rs762002533, gnomAD 0.01%). This variant has not been reported in the literature in individuals affected with IREB2-related conditions. Algorithms developed to predict the effect of missense changes on protein structure and function output the following: SIFT: "Not Available"; PolyPhen-2: "Benign"; Align-GVGD: "Not Available". The tryptophan amino acid residue is found in multiple mammalian species, which suggests that this missense change does not adversely affect protein function. In summary, the available evidence is currently insufficient to determine the role of this variant in disease. Therefore, it has been classified as a Variant of Uncertain Significance.